The following is an entry in ClinVar:

NM_001386795.1(DTNA):c.1651_1671del (p.Lys552_Arg558del)

Gene: DTNA (dystrobrevin alpha; plus strand). Cytogenetic location: 18q12.1.
Variant type: Deletion.
Coding change: c.1651_1671del on transcript NM_001386795.1 (MANE Select); coding-DNA positions 1651 to 1671, 21 bases deleted (CGCAAAGATGAGCTGGAACAG).
Protein change: p.Lys552_Arg558del.
Genome position (GRCh38, 1-based): chr18:34,863,970-34,863,990, CGCAAAGATGAGCTGGAACAG deleted; deleting any 21 consecutive bases within chr18:34,863,966-34,863,990 gives the same sequence; the c. name uses the placement nearest the transcript's 3' end. VCF-style (leftmost placement, unchanged base first): chr18-34863965-GACAGCGCAAAGATGAGCTGGA-G. GRCh37 (hg19) VCF-style: chr18-32443929-GACAGCGCAAAGATGAGCTGGA-G.
Other names: NM_032975.4:c.1399_1419del; c.1390_1410del, p.Lys465_Arg471del (NM_001386772.1, NM_001198938.2, NM_001198939.2 and 9 more transcripts); c.1387_1407del, p.Lys464_Arg470del (NM_001386773.1, NM_001386774.1, NM_001386768.1 and 1 more transcripts); c.1651_1671del, p.Lys552_Arg558del (NM_001386788.1); c.1570_1590del, p.Lys525_Arg531del (NM_001390.5, NM_001391.5); c.1399_1419del, p.Lys468_Arg474del (NM_032975.4, NM_032979.5, NM_001386761.1); c.1561_1581del, p.Lys522_Arg528del (NM_032978.7); c.514_534del, p.Lys173_Arg179del (NM_032980.4); and 9 more.
Identifiers: ClinVar variation 3363147 (VCV003363147.2).

ClinVar aggregate classification (germline): Uncertain significance. Review status: criteria provided, single submitter (1 of 4 stars). 2 submissions from 2 submitters: Uncertain significance (1). 1 of the submissions does not count toward it. Last evaluated 2024-12-10.

Conditions:
MYOPATHY WITH MYALGIA, INCREASED SERUM CREATINE KINASE, WITHOUT EPISODIC RHABDOMYOLYSIS 2.
Myopathy with myalgia, increased serum creatine kinase, and with or without episodic rhabdomyolysis. Identifiers: MedGen CN322496, MONDO:0979249.

Submissions (2):

Broad Center for Mendelian Genomics, Broad Institute of MIT and Harvard
Classification: Uncertain significance for Myopathy with myalgia, increased serum creatine kinase, and with or without episodic rhabdomyolysis. Last evaluated: 2024-12-10. Review status: criteria provided, single submitter. Criteria: ACMG Guidelines, 2015. Collection method: curation. Allele origin: germline. Inheritance: Autosomal dominant inheritance. Study: GREGoR Consortium.
Comment: The p.Lys552_Arg558del (p.Glu523_p.Glu529del) variant in DTNA was identified by our study in 1 family with myopathy with myalgia, increased serum creatine kinase, and with or without episodic rhabdomyolysis 2 (PMID: 36799992). This variant has been reported in this individual, along with 6 additional affected individuals from 2 families, with myalgia, increased serum creatine kinase, and with or without episodic rhabdomyolysis 2 (PMID: 36799992). This variant was absent from large population studies. The number of reported affected individuals with this variant is greater than expected compared to non-affected individuals with this variant. In vitro functional studies provide some evidence that the p.Lys552_Arg558del variant may slightly impact protein function (PMID: 36799992). However, these types of assays may not accurately represent biological function. This variant is a deletion of 7 amino acids at position 552, and is not predicted to alter the protein reading-frame. This deletion is expected to impact the protein. Furthermore, although this gene has been reported in association with myopathy with myalgia, increased serum creatine kinase, and with or without episodic rhabdomyolysis 2, it currently has moderate evidence for these associations. In summary, while there is some suspicion for a pathogenic role, the clinical significance of this variant is uncertain. ACMG/AMP Criteria applied: PM4, PM2_supporting, PS3_supporting, PS4_supporting (Richards 2015).

OMIM
Classification: Pathogenic for MYOPATHY WITH MYALGIA, INCREASED SERUM CREATINE KINASE, WITHOUT EPISODIC RHABDOMYOLYSIS 2. Last evaluated: 2024-10-18. Review status: no assertion criteria provided. Collection method: literature only. Allele origin: germline. Not counted in ClinVar's aggregate classification.

Literature cited by the submitters: PubMed 36799992 (cited by Broad Center for Mendelian Genomics, Broad Institute of MIT and Harvard and OMIM); Hamosh, A. Personal Communication. 2024. Baltimore, Md. (cited by OMIM).